The following is an entry in ClinVar:

NM_031935.3(HMCN1):c.9908C>T (p.Thr3303Ile)

Gene: HMCN1 (hemicentin 1; plus strand). Cytogenetic location: 1q31.1.
Variant type: single nucleotide variant.
Coding change: c.9908C>T on transcript NM_031935.3 (MANE Select); coding-DNA position 9908, C replaced by T.
Protein change: p.Thr3303Ile; replaces threonine 3303 with isoleucine.
Molecular consequence: missense variant.
Genome position (GRCh38, 1-based): chr1:186,093,154, C>T. VCF-style: chr1-186093154-C-T. GRCh37 (hg19) VCF-style: chr1-186062286-C-T.
Other names: short protein forms T3303I.
Identifiers: ClinVar variation 4766530 (VCV004766530.1).
Genomic context (GRCh38, chr1:186,093,154, plus strand): 5'-CAATCTCATCTCAGCCCCTCTGTTATGATCTTTTCCGTAGAGTGAGTGCAAATGGCAGCA[C>T]ATTAAACATTTATGGAGCTCTTACATCTGACACGGGGAAATACACATGTGTTGCTACTAA-3'
Protein context (NP_114141.2, residues 3293-3313): ERIRVSANGS[Thr3303Ile]LNIYGALTSD

ClinVar aggregate classification (germline): Uncertain significance (1 of 4 stars; one submission).

gnomAD v4.1: 1 of 1,613,308 alleles (0.000062%); highest among the groups gnomAD compares: Non-Finnish European, 0.000085%; no homozygotes.

Submission:

Labcorp Genetics (formerly Invitae), Labcorp
Classification: Uncertain significance. Last evaluated: 2025-06-17. Review status: criteria provided, single submitter. Criteria: Invitae Variant Classification Sherloc (09022015). Collection method: clinical testing. Allele origin: germline.
Comment: This sequence change replaces threonine, which is neutral and polar, with isoleucine, which is neutral and non-polar, at codon 3303 of the HMCN1 protein (p.Thr3303Ile). This variant is not present in population databases (gnomAD no frequency). This variant has not been reported in the literature in individuals affected with HMCN1-related conditions. An algorithm developed to predict the effect of missense changes on protein structure and function (PolyPhen-2) suggests that this variant is likely to be disruptive. In summary, the available evidence is currently insufficient to determine the role of this variant in disease. Therefore, it has been classified as a Variant of Uncertain Significance.